The following is an entry in ClinVar:

NM_024596.5(MCPH1):c.991C>T (p.Arg331Cys)

Gene: MCPH1 (microcephalin 1; plus strand). Cytogenetic location: 8p23.1.
Variant type: single nucleotide variant.
Coding change: c.991C>T on transcript NM_024596.5 (MANE Select); coding-DNA position 991, C replaced by T.
Protein change: p.Arg331Cys; replaces arginine 331 with cysteine.
Molecular consequence: missense variant. On other transcripts: non-coding transcript variant (1).
Genome position (GRCh38, 1-based): chr8:6,444,713, C>T. VCF-style: chr8-6444713-C-T. GRCh37 (hg19) VCF-style: chr8-6302234-C-T.
Other names: c.991C>T, p.Arg331Cys (NM_001172574.2, NM_001322042.2, NM_001363979.1 and 1 more transcripts); c.847C>T, p.Arg283Cys (NM_001172575.2); c.985C>T, p.Arg329Cys (NM_001322043.2); c.889C>T, p.Arg297Cys (NM_001322045.2); short protein forms R331C, R283C, R329C, R297C.
Identifiers: ClinVar variation 1465623 (VCV001465623.3), dbSNP rs143393335, ClinGen allele CA4610427.

ClinVar aggregate classification (germline): Uncertain significance (1 of 4 stars; one submission).

Allele frequency attached by ClinVar (database versions not stated): ExAC 0.00002; gnomAD exomes 0.00001.
gnomAD v4.1: 41 of 1,613,908 alleles (0.0025%); highest among the groups gnomAD compares: African/African-American, 0.013%; no homozygotes.

Submission:

Labcorp Genetics (formerly Invitae), Labcorp
Classification: Uncertain significance. Last evaluated: 2022-04-25. Review status: criteria provided, single submitter. Criteria: Invitae Variant Classification Sherloc (09022015). Collection method: clinical testing. Allele origin: germline.
Comment: This sequence change replaces arginine, which is basic and polar, with cysteine, which is neutral and slightly polar, at codon 331 of the MCPH1 protein (p.Arg331Cys). This variant is present in population databases (rs143393335, gnomAD 0.008%). This variant has not been reported in the literature in individuals affected with MCPH1-related conditions. Algorithms developed to predict the effect of missense changes on protein structure and function output the following: SIFT: "Not Available"; PolyPhen-2: "Possibly Damaging"; Align-GVGD: "Not Available". The cysteine amino acid residue is found in multiple mammalian species, which suggests that this missense change does not adversely affect protein function. In summary, the available evidence is currently insufficient to determine the role of this variant in disease. Therefore, it has been classified as a Variant of Uncertain Significance.